The following is an entry in ClinVar:

NM_001037131.3(AGAP1):c.1241C>T (p.Thr414Met)

Gene: AGAP1 (ArfGAP with GTPase domain, ankyrin repeat and PH domain 1; plus strand). Cytogenetic location: 2q37.2.
Variant type: single nucleotide variant.
Coding change: c.1241C>T on transcript NM_001037131.3 (MANE Select); coding-DNA position 1241, C replaced by T.
Protein change: p.Thr414Met; replaces threonine 414 with methionine.
Molecular consequence: missense variant.
Genome position (GRCh38, 1-based): chr2:235,908,823, C>T. VCF-style: chr2-235908823-C-T. GRCh37 (hg19) VCF-style: chr2-236817467-C-T.
Other names: c.1241C>T, p.Thr414Met (NM_014914.5); short protein forms T414M.
Identifiers: ClinVar variation 2166160 (VCV002166160.4), dbSNP rs969395658, ClinGen allele CA68464213.

ClinVar aggregate classification (germline): Uncertain significance (1 of 4 stars; one submission).

Allele frequency attached by ClinVar (database versions not stated): gnomAD exomes below 0.00001; gnomAD 0.00001.
gnomAD v4.1: 11 of 1,614,088 alleles (0.00068%); highest among the groups gnomAD compares: East Asian, 0.0022%; no homozygotes.

Submission:

Labcorp Genetics (formerly Invitae), Labcorp
Classification: Uncertain significance. Last evaluated: 2024-03-19. Review status: criteria provided, single submitter. Criteria: Invitae Variant Classification Sherloc (09022015). Collection method: clinical testing. Allele origin: germline.
Comment: This sequence change replaces threonine, which is neutral and polar, with methionine, which is neutral and non-polar, at codon 414 of the AGAP1 protein (p.Thr414Met). This variant is present in population databases (no rsID available, gnomAD 0.0008%). This variant has not been reported in the literature in individuals affected with AGAP1-related conditions. ClinVar contains an entry for this variant (Variation ID: 2166160). An algorithm developed to predict the effect of missense changes on protein structure and function (PolyPhen-2) suggests that this variant is likely to be disruptive. In summary, the available evidence is currently insufficient to determine the role of this variant in disease. Therefore, it has been classified as a Variant of Uncertain Significance.